The following is an entry in ClinVar:

NM_003482.4(KMT2D):c.8641C>G (p.Arg2881Gly)

Gene: KMT2D (lysine methyltransferase 2D; minus strand). Cytogenetic location: 12q13.12.
Variant type: single nucleotide variant.
Coding change: c.8641C>G on transcript NM_003482.4 (MANE Select); coding-DNA position 8641, C replaced by G.
Protein change: p.Arg2881Gly; replaces arginine 2881 with glycine.
Molecular consequence: missense variant.
Genome position (GRCh38, 1-based): chr12:49,038,715, G>C on the plus strand (C>G on the coding strand, the complement: KMT2D is on the minus strand). VCF-style: chr12-49038715-G-C. GRCh37 (hg19) VCF-style: chr12-49432498-G-C.
Other names: short protein forms R2881G.
Identifiers: ClinVar variation 1313364 (VCV001313364.2), dbSNP rs763549369, ClinGen allele CA384741426.
Genomic context (GRCh38, chr12:49,038,715, plus strand): 5'-GTGGGCCCTGACCAGGAAACGGAGTGCCCCCAGGTCCCAGTCCTTTCTGTACATTGTGCC[G>C]CAGCTCAATGAACTGGGCAGGACCAGCTGGACCAGGCACTGGCTCACCAGGGCCTGGCAG-3'
Protein context (NP_003473.3, residues 2871-2891): PAGPAQFIEL[Arg2881Gly]HNVQKGLGPG

ClinVar aggregate classification (germline): Uncertain significance (1 of 4 stars; one submission).

Submission:

GeneDx
Classification: Uncertain significance. Last evaluated: 2020-10-20. Review status: criteria provided, single submitter. Criteria: GeneDx Variant Classification Process June 2021. Collection method: clinical testing. Allele origin: germline. Affected: yes.
Comment: Not observed in large population cohorts (Lek et al., 2016); In silico analysis supports that this missense variant has a deleterious effect on protein structure/function; Has not been previously published as pathogenic or benign to our knowledge